The following is an entry in ClinVar:

NM_001130987.2(DYSF):c.4218A>T (p.Glu1406Asp)

Gene: DYSF (dysferlin; plus strand). Cytogenetic location: 2p13.2.
Variant type: single nucleotide variant.
Coding change: c.4218A>T on transcript NM_001130987.2 (MANE Select); coding-DNA position 4218, A replaced by T.
Protein change: p.Glu1406Asp; replaces glutamic acid 1406 with aspartic acid.
Molecular consequence: missense variant.
Genome position (GRCh38, 1-based): chr2:71,611,623, A>T. VCF-style: chr2-71611623-A-T. GRCh37 (hg19) VCF-style: chr2-71838753-A-T.
Other names: c.4167A>T, p.Glu1389Asp (NM_001130455.2, NM_001130983.2); c.4122A>T, p.Glu1374Asp (NM_001130976.2, NM_001130977.2); c.4164A>T, p.Glu1388Asp (NM_001130978.2, NM_003494.4); c.4257A>T, p.Glu1419Asp (NM_001130979.2); c.4215A>T, p.Glu1405Asp (NM_001130980.2, NM_001130981.2); c.4260A>T, p.Glu1420Asp (NM_001130982.2); c.4125A>T, p.Glu1375Asp (NM_001130984.2, NM_001130986.2); c.4218A>T, p.Glu1406Asp (NM_001130985.2); short protein forms E1374D, E1405D, E1388D, E1389D, E1406D, E1375D, E1419D, E1420D.
Identifiers: ClinVar variation 1429142 (VCV001429142.5), dbSNP rs764161356, ClinGen allele CA49779152.

ClinVar aggregate classification (germline): Uncertain significance (1 of 4 stars; one submission).

Conditions:
Neuromuscular disease caused by qualitative or quantitative defects of dysferlin. Also called: Dysferlinopathy; Qualitative or quantitative defects of dysferlin. Identifiers: Orphanet 207073, MedGen C2931687, MONDO:0016145.

Allele frequency attached by ClinVar (database versions not stated): TOPMed below 0.00001.

Submission:

Labcorp Genetics (formerly Invitae), Labcorp
Classification: Uncertain significance for Neuromuscular disease caused by qualitative or quantitative defects of dysferlin. Last evaluated: 2022-07-06. Review status: criteria provided, single submitter. Criteria: Invitae Variant Classification Sherloc (09022015). Collection method: clinical testing. Allele origin: germline.
Comment: This sequence change replaces glutamic acid, which is acidic and polar, with aspartic acid, which is acidic and polar, at codon 1388 of the DYSF protein (p.Glu1388Asp). This variant is not present in population databases (gnomAD no frequency). This variant has not been reported in the literature in individuals affected with DYSF-related conditions. ClinVar contains an entry for this variant (Variation ID: 1429142). Advanced modeling of protein sequence and biophysical properties (such as structural, functional, and spatial information, amino acid conservation, physicochemical variation, residue mobility, and thermodynamic stability) performed at Invitae indicates that this missense variant is not expected to disrupt DYSF protein function. In summary, the available evidence is currently insufficient to determine the role of this variant in disease. Therefore, it has been classified as a Variant of Uncertain Significance.